The following is an entry in ClinVar:

NM_001035.3(RYR2):c.7201C>T (p.Arg2401Cys)

Gene: RYR2 (ryanodine receptor 2; plus strand). Cytogenetic location: 1q43.
Variant type: single nucleotide variant.
Coding change: c.7201C>T on transcript NM_001035.3 (MANE Select); coding-DNA position 7201, C replaced by T.
Protein change: p.Arg2401Cys; replaces arginine 2401 with cysteine.
Molecular consequence: missense variant.
Genome position (GRCh38, 1-based): chr1:237,640,982, C>T. VCF-style: chr1-237640982-C-T. GRCh37 (hg19) VCF-style: chr1-237804282-C-T.
Other names: c.7201C>T (NM_001035.2); short protein forms R2401C.
Identifiers: ClinVar variation 922324 (VCV000922324.21), dbSNP rs1321283106, ClinGen allele CA345396790.
Genomic context (GRCh38, chr1:237,640,982, plus strand): 5'-ACTATCCACATGGGGAACGCGATCATGACCTTCTATTCAGCTTTGATTGACCTCTTGGGA[C>T]GCTGTGCTCCTGAGATGCATGTGAGTTTCTGGGAGTTCAGGAGCAGCAATCCTGATTTCT-3'
Protein context (NP_001026.2, residues 2391-2411): FYSALIDLLG[Arg2401Cys]CAPEMHLIHA

ClinVar aggregate classification (germline): Conflicting classifications of pathogenicity. Review status: criteria provided, conflicting classifications (1 of 4 stars). 6 submissions from 6 submitters: Likely pathogenic (4); Uncertain significance (2). Last evaluated 2026-08-10.

Conditions:
Cardiovascular phenotype. Identifiers: MedGen CN230736.
Catecholaminergic polymorphic ventricular tachycardia 1. Also called: VENTRICULAR TACHYCARDIA, CATECHOLAMINERGIC POLYMORPHIC, 1, WITH OR WITHOUT ATRIAL DYSFUNCTION AND/OR DILATED CARDIOMYOPATHY; RYR2-Related Catecholaminergic Polymorphic Ventricular Tachycardia; VENTRICULAR TACHYCARDIA, STRESS-INDUCED POLYMORPHIC 1. Identifiers: Orphanet 3286, MedGen C1631597, MONDO:0011484, OMIM 604772.
Ventricular arrhythmias due to cardiac ryanodine receptor calcium release deficiency syndrome. Also called: Autosomal dominant cardiac arrhythmia (Kuhn). Identifiers: MedGen C5542154, MONDO:0020745, OMIM 115000.
Cardiomyopathy (CMYO). Also called: Cardiomyopathies. Identifiers: Orphanet 167848, MedGen C0878544, MONDO:0004994, HP:0001638. Inheritance: Various modes of inheritance.

Allele frequency attached by ClinVar (database versions not stated): TOPMed 0.00002; gnomAD 0.00003 and 0.00004.
gnomAD v4.1: 22 of 1,612,186 alleles (0.0014%); highest among the groups gnomAD compares: South Asian, 0.0055%; no homozygotes.

Submissions (6):

Ambry Genetics
Classification: Likely pathogenic for Cardiovascular phenotype. Last evaluated: 2026-08-10. Review status: criteria provided, single submitter. Criteria: Ambry Variant Classification Scheme 2023. Collection method: clinical testing. Allele origin: germline.
Comment: The p.R2401C variant (also known as c.7201C>T), located in coding exon 47 of the RYR2 gene, results from a C to T substitution at nucleotide position 7201. The arginine at codon 2401 is replaced by cysteine, an amino acid with highly dissimilar properties. This variant was reported in an adult with sudden cardiac death (Siskind T et al. J Community Genet, 2022 Dec;13:629-639). Other variant(s) at the same codon, p.R2401H (c.7202G>A) and p.2401L (c.7202G>T), have been reported in association with catecholaminergic polymorphic ventricular tachycardia or sudden death (Aizawa Y et al. Int J Cardiol. 2005;99:343-5; Creighton W et al. J Mol Diagn. 2006;8:62-7). This amino acid position is highly conserved in available vertebrate species. In addition, this alteration is predicted to be deleterious by in silico analysis. Based on the majority of available evidence to date, this variant is likely to be pathogenic.

Color Diagnostics, LLC DBA Color Health
Classification: Likely pathogenic for Cardiomyopathy. Last evaluated: 2025-06-30. Review status: criteria provided, single submitter. Criteria: ACMG Guidelines, 2015. Collection method: clinical testing. Allele origin: germline.
Comment: This missense variant replaces arginine with cysteine at codon 2401 of the RYR2 protein. Computational prediction suggests that this variant may have a deleterious impact on protein structure and function. This variant is found within a highly conserved region of the cytoplasmic domain (residues 2138-2538). Rare nontruncating variants in this region have been shown to be significantly overrepresented in individuals with catecholaminergic polymorphic ventricular tachycardia (PMID: 19926015, 30696458). To our knowledge, functional studies have not been reported for this variant. This variant has been reported in an individual suspected to be affected with catecholaminergic polymorphic ventricular tachycardia (PMID: 31737537), in two individuals affected with sudden cardiac death (PMID: 32268277, 36203036), and in a young individual affected with arrhythmia (communication with an external laboratory, ClinVar SCV002264753.2). This variant has been identified in 2/31398 chromosomes in the general population by the Genome Aggregation Database (gnomAD). Different missense variants occuring at the same codon, p.Arg2401His and p.Arg2401Leu, are known to be pathogenic (ClinVar variation ID 201279, 201280), indicating that arginine at this position is important for RYR2 protein function. Based on the available evidence, this variant is classified as Likely Pathogenic.

GeneDx
Classification: Uncertain significance. Last evaluated: 2025-05-02. Review status: criteria provided, single submitter. Criteria: GeneDx Variant Classification Process June 2021. Collection method: clinical testing. Allele origin: germline. Affected: yes.
Comment: Located in one of the three hot-spot regions of the RYR2 gene, where the majority of pathogenic missense variants occur (PMID: 19926015); In silico analysis supports that this missense variant has a deleterious effect on protein structure/function; This variant is associated with the following publications: (PMID: 32268277, 31737537, 19926015, 21964171, 28100344)

Labcorp Genetics (formerly Invitae), Labcorp
Classification: Likely pathogenic for Catecholaminergic polymorphic ventricular tachycardia 1. Last evaluated: 2025-03-17. Review status: criteria provided, single submitter. Criteria: Invitae Variant Classification Sherloc (09022015). Collection method: clinical testing. Allele origin: germline.
Comment: This sequence change replaces arginine, which is basic and polar, with cysteine, which is neutral and slightly polar, at codon 2401 of the RYR2 protein (p.Arg2401Cys). This variant is present in population databases (no rsID available, gnomAD 0.002%). This missense change has been observed in individual(s) with clinical features of autosomal dominant RYR2-related conditions (PMID: 31737537). ClinVar contains an entry for this variant (Variation ID: 922324). Invitae Evidence Modeling of protein sequence and biophysical properties (such as structural, functional, and spatial information, amino acid conservation, physicochemical variation, residue mobility, and thermodynamic stability) indicates that this missense variant is expected to disrupt RYR2 protein function with a positive predictive value of 95%. This variant disrupts the p.Arg2401 amino acid residue in RYR2. Other variant(s) that disrupt this residue have been determined to be pathogenic (PMID: 15749201, 20851825, 28100344). This suggests that this residue is clinically significant, and that variants that disrupt this residue are likely to be disease-causing. In summary, the currently available evidence indicates that the variant is pathogenic, but additional data are needed to prove that conclusively. Therefore, this variant has been classified as Likely Pathogenic.

3billion
Classification: Uncertain significance for Catecholaminergic polymorphic ventricular tachycardia 1. Last evaluated: 2024-08-01. Review status: criteria provided, single submitter. Criteria: ACMG Guidelines, 2015. Collection method: clinical testing. Allele origin: germline. Affected: yes.
Comment: The variant is observed at an extremely low frequency in the gnomAD v4.0.0 dataset (total allele frequency: 0.001%). Predicted Consequence/Location: Missense changes are a common disease-causing mechanism. In silico tool predictions suggest damaging effect of the variant on gene or gene product [REVEL: 0.96 (>=0.6, sensitivity 0.68 and specificity 0.92); 3Cnet: 0.92 (>=0.6, sensitivity 0.72 and precision 0.9)]. The same nucleotide change resulting in the same amino acid change has been previously reported to be associated with RYR2 related disorder (PMID: 31737537). However, the evidence of pathogenicity is insufficient at this time. Different missense changes at the same codon (p.Arg2401His, p.Arg2401Leu) have been reported as pathogenic/likely pathogenic with strong evidence (ClinVar ID: VCV000201279, VCV000201280 /PMID: 15749201, 16436635 /3billion dataset). Therefore, this variant is classified as VUS according to the recommendation of ACMG/AMP guideline.

Juno Genomics, Hangzhou Juno Genomics, Inc
Classification: Likely pathogenic for Ventricular arrhythmias due to cardiac ryanodine receptor calcium release deficiency syndrome; Catecholaminergic polymorphic ventricular tachycardia 1. Review status: criteria provided, single submitter. Criteria: ACMG Guidelines, 2015. Collection method: clinical testing. Allele origin: germline.
Comment: Absent from controls (or at extremely low frequency if recessive) in Genome Aggregation Database.;Multiple lines of computational evidence support a deleterious effect on the gene or gene product.;Missense variant in a gene that has a low rate of benign missense variation.;Novel missense change at an amino acid residue where a different missense change determined to be pathogenic has been seen before.

Literature cited by the submitters: PubMed 15749201 (cited by 3 submitters); PubMed 16436635 (cited by Ambry Genetics); PubMed 36203036 (cited by Ambry Genetics and Color Diagnostics, LLC DBA Color Health); PubMed 19926015 (cited by Color Diagnostics, LLC DBA Color Health); PubMed 30696458 (cited by Color Diagnostics, LLC DBA Color Health); PubMed 31737537 (cited by 3 submitters); PubMed 32268277 (cited by Color Diagnostics, LLC DBA Color Health); PubMed 20851825 (cited by Labcorp Genetics (formerly Invitae), Labcorp); PubMed 28100344 (cited by Labcorp Genetics (formerly Invitae), Labcorp).